The following is an entry in ClinVar:

ClinVar aggregate classification (germline): Benign/Likely benign. Review status: criteria provided, multiple submitters, no conflicts (2 of 4 stars). 4 submissions from 4 submitters: Benign (2); Likely benign (2). Last evaluated 2026-09-01.

Allele frequency attached by ClinVar (database versions not stated): ESP Exome Variant Server 0.00677; ExAC 0.00744; gnomAD exomes 0.01007 and 0.00630; gnomAD 0.00599 and 0.00600; 1000 Genomes Project 0.00220; 1000 Genomes Project 30x 0.00250; TOPMed 0.00561.
gnomAD v4.1: 15,466 of 1,611,380 alleles (0.96%); highest among the groups gnomAD compares: Non-Finnish European, 1.2%; 88 homozygotes.

Submissions (4):

CeGaT Center for Human Genetics Tuebingen
Classification: Benign. Last evaluated: 2026-09-01. Review status: criteria provided, single submitter. Criteria: CeGaT Center For Human Genetics Tuebingen Variant Classification Criteria Version 2. Collection method: clinical testing. Allele origin: germline. Affected: yes. Observed: 6 variant alleles.
Comment: ARVCF: BS1, BS2

Labcorp Genetics (formerly Invitae), Labcorp
Classification: Benign. Last evaluated: 2018-07-18. Review status: criteria provided, single submitter. Criteria: Invitae Variant Classification Sherloc (09022015). Collection method: clinical testing. Allele origin: germline.

Center for Pediatric Genomic Medicine, Children's Mercy Hospital and Clinics
Classification: Likely benign. Last evaluated: 2017-07-28. Review status: criteria provided, single submitter. Criteria: ACMG Guidelines, 2015. Collection method: clinical testing. Allele origin: germline.

Breakthrough Genomics
Classification: Likely benign. Review status: criteria provided, single submitter. Criteria: ACMG Guidelines, 2015. Collection method: not provided. Allele origin: germline. Inheritance: Unknown mechanism. Affected: yes.

NM_001670.3(ARVCF):c.1616G>A (p.Arg539Gln)

Gene: ARVCF (ARVCF delta catenin family member; minus strand). Cytogenetic location: 22q11.21.
Variant type: single nucleotide variant.
Coding change: c.1616G>A on transcript NM_001670.3 (MANE Select); coding-DNA position 1616, G replaced by A.
Protein change: p.Arg539Gln; replaces arginine 539 with glutamine.
Molecular consequence: missense variant.
Genome position (GRCh38, 1-based): chr22:19,978,040, C>T on the plus strand (G>A on the coding strand, the complement: ARVCF is on the minus strand). VCF-style: chr22-19978040-C-T. GRCh37 (hg19) VCF-style: chr22-19965563-C-T.
Other names: short protein forms R539Q.
Identifiers: ClinVar variation 445517 (VCV000445517.29), dbSNP rs16982871, ClinGen allele CA10105515.